The following is an entry in ClinVar:

NM_001276345.2(TNNT2):c.164-14C>T

Gene: TNNT2 (troponin T2, cardiac type; minus strand). Cytogenetic location: 1q32.1.
Variant type: single nucleotide variant.
Coding change: c.164-14C>T on transcript NM_001276345.2 (MANE Select); 14 bases into the intron before coding-DNA position 164, C replaced by T.
Molecular consequence: intron variant.
Genome position (GRCh38, 1-based): chr1:201,367,820, G>A on the plus strand (C>T on the coding strand, the complement: TNNT2 is on the minus strand). VCF-style: chr1-201367820-G-A. GRCh37 (hg19) VCF-style: chr1-201336948-G-A.
Other names: c.119-14C>T (NM_001001432.3); c.134-14C>T (NM_001001431.3, NM_001001430.3, NM_001276347.2); c.164-17C>T (NM_001276346.2); c.164-14C>T (NM_000364.4).
Identifiers: ClinVar variation 1658479 (VCV001658479.9), dbSNP rs778709814, ClinGen allele CA35427263.

ClinVar aggregate classification (germline): Likely benign. Review status: criteria provided, multiple submitters, no conflicts (2 of 4 stars). 2 submissions from 2 submitters: Likely benign (2). Last evaluated 2025-12-23.

Conditions:
Cardiomyopathy, familial restrictive, 3. Identifiers: Orphanet 75249, MedGen C2676271, MONDO:0012900, OMIM 612422.
Hypertrophic cardiomyopathy 2. Also called: TNNT2-Related Familial Hypertrophic Cardiomyopathy. Identifiers: MedGen C1861864, MONDO:0007266, OMIM 115195.
Dilated cardiomyopathy 1D. Identifiers: Orphanet 154, Orphanet 54260, MedGen C1832243, MONDO:0011095, OMIM 601494.
Cardiomyopathy (CMYO). Also called: Cardiomyopathies. Identifiers: Orphanet 167848, MedGen C0878544, MONDO:0004994, HP:0001638. Inheritance: Various modes of inheritance.

Allele frequency attached by ClinVar (database versions not stated): gnomAD exomes 0.00001; gnomAD 0.00003; TOPMed 0.00003.
gnomAD v4.1: 19 of 1,613,874 alleles (0.0012%); highest among the groups gnomAD compares: Admixed American, 0.0033%; no homozygotes.

Submissions (2):

Labcorp Genetics (formerly Invitae), Labcorp
Classification: Likely benign for Cardiomyopathy, familial restrictive, 3; Hypertrophic cardiomyopathy 2; Dilated cardiomyopathy 1D. Last evaluated: 2025-12-23. Review status: criteria provided, single submitter. Criteria: Invitae Variant Classification Sherloc (09022015). Collection method: clinical testing. Allele origin: germline.

All of Us Research Program, National Institutes of Health
Classification: Likely benign for Cardiomyopathy. Last evaluated: 2023-10-02. Review status: criteria provided, single submitter. Criteria: ACMG Guidelines, 2015. Collection method: clinical testing. Allele origin: germline. Inheritance: Autosomal dominant inheritance. Observed: 3 variant alleles, 3 heterozygotes.
Comment: This study involves interpretation of variants in research participants for the purpose of population health screening. Participant phenotype was not available at the time of variant classification. Additional details can be found in publication PMID: 35346344, PMCID: PMC8962531